The following is an entry in ClinVar:

ClinVar aggregate classification (germline): Pathogenic/Likely pathogenic. Review status: criteria provided, multiple submitters, no conflicts (2 of 4 stars). 2 submissions from 2 submitters: Pathogenic (1); Likely pathogenic (1). Last evaluated 2023-08-29.

Submissions (2):

Labcorp Genetics (formerly Invitae), Labcorp
Classification: Pathogenic. Last evaluated: 2023-08-29. Review status: criteria provided, single submitter. Criteria: Invitae Variant Classification Sherloc (09022015). Collection method: clinical testing. Allele origin: germline.
Comment: ClinVar contains an entry for this variant (Variation ID: 1343080). This variant has not been reported in the literature in individuals affected with COL11A1-related conditions. This variant is not present in population databases (gnomAD no frequency). For these reasons, this variant has been classified as Pathogenic. This sequence change creates a premature translational stop signal (p.Gly1240Aspfs*32) in the COL11A1 gene. It is expected to result in an absent or disrupted protein product. Loss-of-function variants in COL11A1 are known to be pathogenic (PMID: 20513134, 21035103, 23922384, 25240749, 32427345, 32756486).

GeneDx
Classification: Likely pathogenic. Last evaluated: 2022-02-25. Review status: criteria provided, single submitter. Criteria: GeneDx Variant Classification Process June 2021. Collection method: clinical testing. Allele origin: germline. Affected: yes.
Comment: Has not been previously published as pathogenic or benign to our knowledge; Not observed at significant frequency in large population cohorts (gnomAD); Frameshift variant predicted to result in protein truncation or nonsense mediated decay in a gene for which loss-of-function is a known mechanism of disease; Other loss of function variants in the COL11A1 gene have been reported in association with autosomal dominant Stickler or Marshall syndromes (Acke et al., 2014); however, most variants reported to date in association with these disorders are missense or splice site variants (HGMD); Loss of function variants in the COL11A1 gene have been reported in association with autosomal recessive fibrochondrogenesis; however, heterozygous carriers manifested milder features not sufficient to establish a clinical diagnosis of Stickler syndrome (Tompson et al., 2010; Akawi et al., 2012; Richards et al., 2013)

Literature cited by the submitters: PubMed 20513134 (cited by Labcorp Genetics (formerly Invitae), Labcorp); PubMed 21035103 (cited by Labcorp Genetics (formerly Invitae), Labcorp); PubMed 23922384 (cited by Labcorp Genetics (formerly Invitae), Labcorp); PubMed 25240749 (cited by Labcorp Genetics (formerly Invitae), Labcorp); PubMed 32427345 (cited by Labcorp Genetics (formerly Invitae), Labcorp); PubMed 32756486 (cited by Labcorp Genetics (formerly Invitae), Labcorp).

NM_001854.4(COL11A1):c.3717del (p.Gly1240fs)

Gene: COL11A1 (collagen type XI alpha 1 chain; minus strand). Cytogenetic location: 1p21.1.
Variant type: Deletion.
Coding change: c.3717del on transcript NM_001854.4 (MANE Select); coding-DNA position 3717, one base deleted (A; older notation c.3717delA).
Protein change: p.Gly1240fs; shifts the reading frame from glycine 1240.
Molecular consequence: frameshift variant. On other transcripts: non-coding transcript variant (1).
Genome position (GRCh38, 1-based): chr1:102,920,356, T deleted on the plus strand (A on the coding strand, the reverse complement: COL11A1 is on the minus strand); the first of 2 consecutive T bases (chr1:102,920,356-102,920,357); deleting either gives the same sequence. VCF-style (leftmost placement, unchanged base first): chr1-102920355-CT-C. GRCh37 (hg19) VCF-style: chr1-103385911-CT-C.
Other names: c.3600del, p.Gly1201fs (NM_001190709.2); c.3753del, p.Gly1252fs (NM_080629.3); c.3369del, p.Gly1124fs (NM_080630.4); short protein forms G1124fs, G1201fs, G1240fs, G1252fs.
Identifiers: ClinVar variation 1343080 (VCV001343080.5), dbSNP rs2101066868, ClinGen allele CA2573051326.
Genomic context (GRCh38, chr1:102,920,355, plus strand): 5'-TCACTAACATATTTACCTTTTCTCCAACACCACCAACTGAACCAACAGACCCTGGGGGTC[CT>C]TGTGGTCCCTGCAGTGTAGAAAAAGGAATGTAATTATCCATATTCTTATTAAAATAATGC-3'